The following is an entry in ClinVar:

ClinVar aggregate classification (germline): Benign/Likely benign. Review status: criteria provided, multiple submitters, no conflicts (2 of 4 stars). 8 submissions from 8 submitters: Benign (3); Likely benign (3). 2 of the submissions do not count toward it. Last evaluated 2026-08-01.

Conditions:
Frontotemporal dementia and/or amyotrophic lateral sclerosis 1 (FTDALS1). Also called: Frontotemporal dementia with motor neuron disease 1; C9orf72 Frontotemporal Dementia and/or Amyotrophic Lateral Sclerosis. Identifiers: Orphanet 275872, MedGen C5779877, MONDO:0007105, OMIM 105550.
Paget disease of bone 2, early-onset (PDB2). Also called: Paget disease of bone 2. Identifiers: MedGen C4085251, MONDO:0011183, OMIM 602080.
Paget disease of bone 3. Identifiers: MedGen C4085252, MONDO:0008176, OMIM 167250.

Allele frequency attached by ClinVar (database versions not stated): 1000 Genomes Project 30x 0.00047; TOPMed 0.00206; gnomAD exomes 0.00375 and 0.00432; ExAC 0.00463; gnomAD 0.00487.
gnomAD v4.1: 5,028 of 1,380,634 alleles (0.36%); highest among the groups gnomAD compares: Non-Finnish European, 0.4%; 10 homozygotes.

Submissions (8):

CeGaT Center for Human Genetics Tuebingen
Classification: Likely benign. Last evaluated: 2026-08-01. Review status: criteria provided, single submitter. Criteria: CeGaT Center For Human Genetics Tuebingen Variant Classification Criteria Version 2. Collection method: clinical testing. Allele origin: germline. Affected: yes. Observed: 37 variant alleles.
Comment: SQSTM1: BP4, BP7

Labcorp Genetics (formerly Invitae), Labcorp
Classification: Benign for Paget disease of bone 2, early-onset; Frontotemporal dementia and/or amyotrophic lateral sclerosis 1. Last evaluated: 2026-02-01. Review status: criteria provided, single submitter. Criteria: Invitae Variant Classification Sherloc (09022015). Collection method: clinical testing. Allele origin: germline.

Blueprint Genetics
Classification: Likely benign. Last evaluated: 2024-11-26. Review status: criteria provided, single submitter. Criteria: ACMG Guidelines, 2015. Collection method: clinical testing. Allele origin: germline.

Mayo Clinic Laboratories, Mayo Clinic
Classification: Benign. Last evaluated: 2019-10-31. Review status: criteria provided, single submitter. Criteria: ACMG Guidelines, 2015. Collection method: clinical testing. Allele origin: germline. Observed: 18 variant alleles.

GeneDx
Classification: Benign. Last evaluated: 2019-03-22. Review status: criteria provided, single submitter. Criteria: GeneDx Variant Classification Process June 2021. Collection method: clinical testing. Allele origin: germline. Affected: yes.
Comment: This variant is associated with the following publications: (PMID: 25796131, 22084127)

Illumina Laboratory Services, Illumina
Classification: Likely benign for Paget disease of bone 3. Last evaluated: 2018-01-13. Review status: criteria provided, single submitter. Criteria: ICSL Variant Classification Criteria 13 December 2019. Collection method: clinical testing. Allele origin: germline.
Comment: This variant was observed in the ICSL laboratory as part of a predisposition screen in an ostensibly healthy population. It had not been previously curated by ICSL or reported in the Human Gene Mutation Database (HGMD: prior to June 1st, 2018), and was therefore a candidate for classification through an automated scoring system. Utilizing variant allele frequency, disease prevalence and penetrance estimates, and inheritance mode, an automated score was calculated to assess if this variant is too frequent to cause the disease. Based on the score and internal cut-off values, a variant classified as likely benign is not then subjected to further curation. The score for this variant resulted in a classification of likely benign for this disease.

Genome Diagnostics Laboratory, Amsterdam University Medical Center
Classification: Likely benign. Review status: no assertion criteria provided. Collection method: clinical testing. Allele origin: germline. Affected: yes. Study: VKGL Data-share Consensus. Not counted in ClinVar's aggregate classification.

Genome Diagnostics Laboratory, University Medical Center Utrecht
Classification: Likely benign. Review status: no assertion criteria provided. Collection method: clinical testing. Allele origin: germline. Affected: yes. Study: VKGL Data-share Consensus. Not counted in ClinVar's aggregate classification.

NM_003900.5(SQSTM1):c.183C>T (p.Gly61=)

Genes: SQSTM1 (sequestosome 1; plus strand), LOC129995449 (ATAC-STARR-seq lymphoblastoid silent region 16749; plus strand). Cytogenetic location: 5q35.3.
Variant type: single nucleotide variant.
Coding change: c.183C>T on transcript NM_003900.5 (MANE Select); coding-DNA position 183, C replaced by T.
Protein change: p.Gly61=; no amino-acid change (glycine 61 retained).
Molecular consequence: synonymous variant. On other transcripts: intron variant (2).
Genome position (GRCh38, 1-based): chr5:179,821,119, C>T. VCF-style: chr5-179821119-C-T. GRCh37 (hg19) VCF-style: chr5-179248119-C-T.
Other names: p.Gly61=; c.-47-1839C>T (NM_001142298.2, NM_001142299.2).
Identifiers: ClinVar variation 353157 (VCV000353157.57), dbSNP rs767340839, ClinGen allele CA3600383.
Genomic context (GRCh38, chr5:179,821,119, plus strand): 5'-GGGACCCTGCGAGCGGCTGCTGAGCCGGGTGGCCGCCCTGTTCCCCGCGCTGCGGCCTGG[C>T]GGCTTCCAGGCGCACTACCGCGGTGAGCGGGCCGGGGAGCGGCGGGGGCGGTGACGCAGG-3'
Protein context (NP_003891.1, residues 51-71): VAALFPALRP[Gly61=]GFQAHYRDED